The following is an entry in ClinVar:

ClinVar aggregate classification (germline): Conflicting classifications of pathogenicity. Review status: criteria provided, conflicting classifications (1 of 4 stars). 3 submissions from 3 submitters: Uncertain significance (2); Likely benign (1). Last evaluated 2025-08-07.

Conditions:
Hereditary cancer-predisposing syndrome. Also called: Neoplastic Syndromes, Hereditary; Tumor predisposition; Hereditary Cancer Syndrome; Hereditary neoplastic syndrome. Identifiers: Orphanet 140162, MedGen C0027672, MeSH D009386, MONDO:0015356.
Hereditary breast ovarian cancer syndrome. Also called: BRCA1- and BRCA2-Associated Hereditary Breast and Ovarian Cancer; Hereditary breast and ovarian cancer syndrome; Hereditary breast and ovarian cancer; Hereditary breast and ovarian cancer syndrome (HBOC); Breast and ovarian cancer; Hereditary breast and/or ovarian cancer syndrome. Identifiers: Orphanet 145, MedGen C0677776, MeSH D061325, MONDO:0003582. Disease mechanism: loss of function.

Allele frequency attached by ClinVar (database versions not stated): gnomAD exomes below 0.00001.
gnomAD v4.1: 1 of 1,613,942 alleles (0.000062%); highest among the groups gnomAD compares: Non-Finnish European, 0.000085%; no homozygotes.

Submissions (3):

Labcorp Genetics (formerly Invitae), Labcorp
Classification: Uncertain significance for Hereditary breast ovarian cancer syndrome. Last evaluated: 2025-08-07. Review status: criteria provided, single submitter. Criteria: Invitae Variant Classification Sherloc (09022015). Collection method: clinical testing. Allele origin: germline.
Comment: This sequence change replaces alanine, which is neutral and non-polar, with valine, which is neutral and non-polar, at codon 344 of the BRCA1 protein (p.Ala344Val). This variant is not present in population databases (gnomAD no frequency). This variant has not been reported in the literature in individuals affected with BRCA1-related conditions. ClinVar contains an entry for this variant (Variation ID: 230563). Invitae Evidence Modeling of protein sequence and biophysical properties (such as structural, functional, and spatial information, amino acid conservation, physicochemical variation, residue mobility, and thermodynamic stability) indicates that this missense variant is not expected to disrupt BRCA1 protein function with a negative predictive value of 80%. In summary, the available evidence is currently insufficient to determine the role of this variant in disease. Therefore, it has been classified as a Variant of Uncertain Significance.

Ambry Genetics
Classification: Uncertain significance for Hereditary cancer-predisposing syndrome. Last evaluated: 2025-02-19. Review status: criteria provided, single submitter. Criteria: Ambry Variant Classification Scheme 2023. Collection method: clinical testing. Allele origin: germline.
Comment: The p.A344V variant (also known as c.1031C>T), located in coding exon 9 of the BRCA1 gene, results from a C to T substitution at nucleotide position 1031. The alanine at codon 344 is replaced by valine, an amino acid with similar properties. This amino acid position is not well conserved in available vertebrate species. In addition, the in silico prediction for this alteration is inconclusive. Based on the available evidence, the clinical significance of this variant remains unclear.

University of Washington Department of Laboratory Medicine, University of Washington
Classification: Likely benign for Hereditary cancer-predisposing syndrome. Last evaluated: 2023-03-23. Review status: criteria provided, single submitter. Criteria: Dines et al. (Genet Med. 2020). Collection method: curation. Allele origin: germline.
Comment: Missense variant in a coldspot region where missense variants are very unlikely to be pathogenic (PMID:31911673).

BRCA1 coldspot (exon 11 using historical exon numbering). Reclassification based on statistical prior probability

NM_007294.4(BRCA1):c.1031C>T (p.Ala344Val)

Gene: BRCA1 (BRCA1 DNA repair associated; minus strand). Cytogenetic location: 17q21.31.
Variant type: single nucleotide variant.
Coding change: c.1031C>T on transcript NM_007294.4 (MANE Select); coding-DNA position 1031, C replaced by T.
Protein change: p.Ala344Val; replaces alanine 344 with valine.
Molecular consequence: missense variant. On other transcripts: intron variant (137).
Genome position (GRCh38, 1-based): chr17:43,094,500, G>A on the plus strand (C>T on the coding strand, the complement: BRCA1 is on the minus strand). VCF-style: chr17-43094500-G-A. GRCh37 (hg19) VCF-style: chr17-41246517-G-A.
Other names: c.887C>T, p.Ala296Val (NM_001407943.1, NM_001407740.1, NM_001407741.1 and 20 more transcripts); c.890C>T, p.Ala297Val (NM_001407944.1, NM_001407945.1, NM_001407692.1 and 29 more transcripts); c.1028C>T, p.Ala343Val (NM_001407645.1, NM_001407860.1, NM_001407861.1 and 22 more transcripts); c.953C>T, p.Ala318Val (NM_001407654.1, NM_001407655.1, NM_001407653.1 and 4 more transcripts); c.698C>T, p.Ala233Val (NM_001407951.1, NM_001407946.1, NM_001407947.1 and 6 more transcripts); c.908C>T, p.Ala303Val (NM_001407648.1, NM_001407664.1, NM_001407665.1 and 19 more transcripts); c.1022C>T, p.Ala341Val (NM_001407646.1, NM_001407647.1); c.905C>T, p.Ala302Val (NM_001407649.1, NM_001407670.1, NM_001407671.1 and 11 more transcripts); and 40 more; short protein forms A344V, A297V, A216V, A296V, A217V, A256V, A302V, A303V.
Identifiers: ClinVar variation 230563 (VCV000230563.17), dbSNP rs876658636, ClinGen allele CA10580683.